The following is an entry in ClinVar:

NM_054012.4(ASS1):c.120del (p.Lys41fs)

Gene: ASS1 (argininosuccinate synthase 1; plus strand). Cytogenetic location: 9q34.11.
Variant type: Deletion.
Coding change: c.120del on transcript NM_054012.4 (MANE Select); coding-DNA position 120, one base deleted (G; older notation c.120delG).
Protein change: p.Lys41fs; shifts the reading frame from lysine 41.
Molecular consequence: frameshift variant.
Genome position (GRCh38, 1-based): chr9:130,454,319, G deleted. VCF-style (leftmost placement, unchanged base first): chr9-130454318-AG-A. GRCh37 (hg19) VCF-style: chr9-133329705-AG-A.
Other names: c.120del, p.Lys41fs (NM_000050.4); c.120delG (NM_000050.4); short protein forms K41fs.
Identifiers: ClinVar variation 528374 (VCV000528374.8), dbSNP rs1554982237, ClinGen allele CA658797305.

ClinVar aggregate classification (germline): Pathogenic (1 of 4 stars; one submission).

Conditions:
Citrullinemia. Identifiers: Orphanet 187, MedGen C0175683, MONDO:0015991.

Submission:

Labcorp Genetics (formerly Invitae), Labcorp
Classification: Pathogenic for Citrullinemia. Last evaluated: 2020-03-12. Review status: criteria provided, single submitter. Criteria: Invitae Variant Classification Sherloc (09022015). Collection method: clinical testing. Allele origin: germline.
Comment: This sequence change creates a premature translational stop signal (p.Lys41Argfs*12) in the ASS1 gene. It is expected to result in an absent or disrupted protein product. For these reasons, this variant has been classified as Pathogenic. Loss-of-function variants in ASS1 are known to be pathogenic (PMID: 18473344, 19006241). This variant has not been reported in the literature in individuals with ASS1-related disease. This variant is not present in population databases (ExAC no frequency).

Literature cited by the submitters: PubMed 18473344; PubMed 19006241.